The following is an entry in ClinVar:

ClinVar aggregate classification (germline): Uncertain significance (1 of 4 stars; one submission).

Conditions:
ACTG1-related disorder. Also called: ACTG1-related condition; ACTG1-related disorders.

Allele frequency attached by ClinVar (database versions not stated): TOPMed below 0.00001.

Submission:

PreventionGenetics, part of Exact Sciences
Classification: Uncertain significance for ACTG1-related condition. Last evaluated: 2023-09-19. Review status: criteria provided, single submitter. Criteria: ACMG Guidelines, 2015. Collection method: clinical testing. Allele origin: germline.
Comment: The ACTG1 c.674A>G variant is predicted to result in the amino acid substitution p.Gln225Arg. To our knowledge, this variant has not been reported in the literature or in a large population database, indicating this variant is rare. At this time, the clinical significance of this variant is uncertain due to the absence of conclusive functional and genetic evidence.

NM_001614.5(ACTG1):c.674A>G (p.Gln225Arg)

Gene: ACTG1 (actin gamma 1; minus strand). Cytogenetic location: 17q25.3.
Variant type: single nucleotide variant.
Coding change: c.674A>G on transcript NM_001614.5 (MANE Select); coding-DNA position 674, A replaced by G.
Protein change: p.Gln225Arg; replaces glutamine 225 with arginine.
Molecular consequence: missense variant. On other transcripts: non-coding transcript variant (1).
Genome position (GRCh38, 1-based): chr17:81,511,316, T>C on the plus strand (A>G on the coding strand, the complement: ACTG1 is on the minus strand). VCF-style: chr17-81511316-T-C. GRCh37 (hg19) VCF-style: chr17-79478342-T-C.
Other names: c.674A>G, p.Gln225Arg (NM_001199954.3); short protein forms Q225R.
Identifiers: ClinVar variation 2630928 (VCV002630928.1), dbSNP rs1263123547, ClinGen allele CA401460164.